The following is an entry in ClinVar:

ClinVar aggregate classification (germline): Uncertain significance. Review status: criteria provided, multiple submitters, no conflicts (2 of 4 stars). 2 submissions from 2 submitters: Uncertain significance (2). Last evaluated 2026-02-01.

Conditions:
Pitt-Hopkins-like syndrome 2 (PTHSL2). Identifiers: Orphanet 221150, Orphanet 600663, MedGen C3280479, MONDO:0013690, OMIM 614325.
Inborn genetic diseases. Identifiers: MedGen C0950123, MeSH D030342.

Allele frequency attached by ClinVar (database versions not stated): gnomAD exomes 0.00001; TOPMed 0.00003; gnomAD 0.00007.
gnomAD v4.1: 20 of 1,542,058 alleles (0.0013%); highest among the groups gnomAD compares: African/African-American, 0.025%; no homozygotes.

Submissions (2):

Labcorp Genetics (formerly Invitae), Labcorp
Classification: Uncertain significance for Pitt-Hopkins-like syndrome 2. Last evaluated: 2026-02-01. Review status: criteria provided, single submitter. Criteria: Invitae Variant Classification Sherloc (09022015). Collection method: clinical testing. Allele origin: germline.
Comment: This sequence change replaces threonine, which is neutral and polar, with methionine, which is neutral and non-polar, at codon 41 of the NRXN1 protein (p.Thr41Met). The frequency data for this variant in the population databases is considered unreliable, as metrics indicate poor data quality at this position in the gnomAD database. This variant has not been reported in the literature in individuals affected with NRXN1-related conditions. ClinVar contains an entry for this variant (Variation ID: 839700). An algorithm developed to predict the effect of missense changes on protein structure and function (PolyPhen-2) suggests that this variant is likely to be disruptive. In summary, the available evidence is currently insufficient to determine the role of this variant in disease. Therefore, it has been classified as a Variant of Uncertain Significance.

Ambry Genetics
Classification: Uncertain significance for Inborn genetic diseases. Last evaluated: 2018-12-28. Review status: criteria provided, single submitter. Criteria: Ambry Variant Classification Scheme 2023. Collection method: clinical testing. Allele origin: germline.
Comment: The p.T41M variant (also known as c.122C>T), located in coding exon 1 of the NRXN1 gene, results from a C to T substitution at nucleotide position 122. The threonine at codon 41 is replaced by methionine, an amino acid with similar properties. This amino acid position is well conserved in available vertebrate species. In addition, the in silico prediction for this alteration is inconclusive. Since supporting evidence is limited at this time, the clinical significance of this alteration remains unclear.

NM_001330078.2(NRXN1):c.122C>T (p.Thr41Met)

Gene: NRXN1 (neurexin 1; minus strand). Cytogenetic location: 2p16.3.
Variant type: single nucleotide variant.
Coding change: c.122C>T on transcript NM_001330078.2 (MANE Select); coding-DNA position 122, C replaced by T.
Protein change: p.Thr41Met; replaces threonine 41 with methionine.
Molecular consequence: missense variant.
Genome position (GRCh38, 1-based): chr2:51,028,152, G>A on the plus strand (C>T on the coding strand, the complement: NRXN1 is on the minus strand). VCF-style: chr2-51028152-G-A. GRCh37 (hg19) VCF-style: chr2-51255290-G-A.
Other names: c.122C>T, p.Thr41Met (NM_001330086.2, NM_001330087.2, NM_001330088.2 and 15 more transcripts); short protein forms T41M.
Identifiers: ClinVar variation 839700 (VCV000839700.9), dbSNP rs995509296, ClinGen allele CA48054940.